The following is an entry in ClinVar:

NM_021956.5(GRIK2):c.539C>A (p.Thr180Asn)

Gene: GRIK2 (glutamate ionotropic receptor kainate type subunit 2; plus strand). Cytogenetic location: 6q16.3.
Variant type: single nucleotide variant.
Coding change: c.539C>A on transcript NM_021956.5 (MANE Select); coding-DNA position 539, C replaced by A.
Protein change: p.Thr180Asn; replaces threonine 180 with asparagine.
Molecular consequence: missense variant.
Genome position (GRCh38, 1-based): chr6:101,626,635, C>A. VCF-style: chr6-101626635-C-A. GRCh37 (hg19) VCF-style: chr6-102074510-C-A.
Other names: c.539C>A, p.Thr180Asn (NM_001166247.1, NM_175768.3); short protein forms T180N.
Identifiers: ClinVar variation 4881137 (VCV004881137.2).

ClinVar aggregate classification (germline): Uncertain significance (1 of 4 stars; one submission).

gnomAD v4.1: 3 of 1,612,528 alleles (0.00019%); highest among the groups gnomAD compares: African/African-American, 0.004%; no homozygotes.

Submission:

Dasa
Classification: Uncertain significance. Last evaluated: 2026-01-12. Review status: criteria provided, single submitter. Criteria: DASA Assertion Criteria. Collection method: clinical testing. Allele origin: germline.
Comment: NM_021956.5(GRIK2):c.539C>A (p.Thr180Asn) is a missense variant that results in the substitution of threonine with asparagine. This variant is rare in population databases. Computational prediction algorithms are consistent with a deleterious effect. The currently available literature and clinical evidence are not sufficient to establish a definitive association between this variant and the reported condition. Therefore, this variant is classified as a variant of uncertain significance.